The following is an entry in ClinVar:

ClinVar aggregate classification (germline): Benign (1 of 4 stars; one submission).

Allele frequency attached by ClinVar (database versions not stated): 1000 Genomes Project 0.12800; gnomAD 0.12802 and 0.13356; 1000 Genomes Project 30x 0.13210; TOPMed 0.13465.
gnomAD v4.1: 19,297 of 152,186 alleles (13%); highest among the groups gnomAD compares: African/African-American, 32%; 2,301 homozygotes.

Submission:

GeneDx
Classification: Benign. Last evaluated: 2018-06-19. Review status: criteria provided, single submitter. Criteria: GeneDx Variant Classification (06012015). Collection method: clinical testing. Allele origin: germline. Affected: yes.
Comment: This variant is considered likely benign or benign based on one or more of the following criteria: it is a conservative change, it occurs at a poorly conserved position in the protein, it is predicted to be benign by multiple in silico algorithms, and/or has population frequency not consistent with disease.

NM_001126128.2(PROK2):c.222+277A>G

Gene: PROK2 (prokineticin 2; minus strand). Cytogenetic location: 3p13.
Variant type: single nucleotide variant.
Coding change: c.222+277A>G on transcript NM_001126128.2 (MANE Select); 277 bases into the intron after coding-DNA position 222, A replaced by G.
Molecular consequence: intron variant.
Genome position (GRCh38, 1-based): chr3:71,781,190, T>C on the plus strand (A>G on the coding strand, the complement: PROK2 is on the minus strand). VCF-style: chr3-71781190-T-C. GRCh37 (hg19) VCF-style: chr3-71830341-T-C.
Other names: c.222+277A>G (NM_021935.4).
Identifiers: ClinVar variation 674239 (VCV000674239.1), dbSNP rs60966405, ClinGen allele CA76545762.